The following is an entry in ClinVar:

NM_000246.4(CIITA):c.937+1G>A

Gene: CIITA (class II major histocompatibility complex transactivator; plus strand). Cytogenetic location: 16p13.13.
Variant type: single nucleotide variant.
Coding change: c.937+1G>A on transcript NM_000246.4 (MANE Select); the canonical splice donor site of the intron after coding-DNA position 937, G replaced by A.
Molecular consequence: splice donor variant.
Genome position (GRCh38, 1-based): chr16:10,903,896, G>A. VCF-style: chr16-10903896-G-A. GRCh37 (hg19) VCF-style: chr16-10997753-G-A.
Other names: c.940+1G>A (NM_001286402.1, NM_001379332.1); c.793+1G>A (NM_001379330.1); c.937+1G>A (NM_001379333.1); c.790+1G>A (NM_001379331.1, NM_001286403.2); c.868+1G>A (NM_001379334.1).
Identifiers: ClinVar variation 3622724 (VCV003622724.2).

ClinVar aggregate classification (germline): Likely pathogenic (1 of 4 stars; one submission).

Conditions:
MHC class II deficiency. Also called: Bare lymphocyte syndrome 2; BLS, TYPE II. Identifiers: Orphanet 572, MedGen C5447452, MONDO:0008855.

Submission:

Labcorp Genetics (formerly Invitae), Labcorp
Classification: Likely pathogenic for MHC class II deficiency. Last evaluated: 2024-11-16. Review status: criteria provided, single submitter. Criteria: Invitae Variant Classification Sherloc (09022015). Collection method: clinical testing. Allele origin: germline.
Comment: This sequence change affects a donor splice site in intron 9 of the CIITA gene. It is expected to disrupt RNA splicing. Variants that disrupt the donor or acceptor splice site typically lead to a loss of protein function (PMID: 16199547), and loss-of-function variants in CIITA are known to be pathogenic (PMID: 8402893, 9099848, 26271388). This variant is not present in population databases (gnomAD no frequency). This variant has not been reported in the literature in individuals affected with CIITA-related conditions. Algorithms developed to predict the effect of sequence changes on RNA splicing suggest that this variant may disrupt the consensus splice site. In summary, the currently available evidence indicates that the variant is pathogenic, but additional data are needed to prove that conclusively. Therefore, this variant has been classified as Likely Pathogenic.

Literature cited by the submitters: PubMed 16199547; PubMed 8402893; PubMed 9099848; PubMed 26271388.